The following is an entry in ClinVar:

NM_002227.4(JAK1):c.1330A>G (p.Ile444Val)

Gene: JAK1 (Janus kinase 1; minus strand). Cytogenetic location: 1p31.3.
Variant type: single nucleotide variant.
Coding change: c.1330A>G on transcript NM_002227.4 (MANE Select); coding-DNA position 1330, A replaced by G.
Protein change: p.Ile444Val; replaces isoleucine 444 with valine.
Molecular consequence: missense variant.
Genome position (GRCh38, 1-based): chr1:64,860,109, T>C on the plus strand (A>G on the coding strand, the complement: JAK1 is on the minus strand). VCF-style: chr1-64860109-T-C. GRCh37 (hg19) VCF-style: chr1-65325792-T-C.
Other names: c.1330A>G, p.Ile444Val (NM_001320923.2, NM_001321852.2, NM_001321853.2 and 4 more transcripts); short protein forms I444V.
Identifiers: ClinVar variation 1467264 (VCV001467264.6), dbSNP rs1656191766, ClinGen allele CA340670941.
Genomic context (GRCh38, chr1:64,860,109, plus strand): 5'-ACTAAAACACGGGCTCTCTGCACACCAAAGGCAACTGATAAGGTTCTAGGACCAACCAGA[T>C]TGGACCATGACAGCCATTCTGTATGTTGTGGACGATCAACGGGGGGGCCACGTCGGTGCA-3'
Protein context (NP_002218.2, residues 434-454): HNIQNGCHGP[Ile444Val]CTEYAINKLR

ClinVar aggregate classification (germline): Uncertain significance (1 of 4 stars; one submission).

Allele frequency attached by ClinVar (database versions not stated): gnomAD exomes below 0.00001.
gnomAD v4.1: 5 of 1,574,938 alleles (0.00032%); highest among the groups gnomAD compares: African/African-American, 0.0013%; no homozygotes.

Submission:

Labcorp Genetics (formerly Invitae), Labcorp
Classification: Uncertain significance. Last evaluated: 2021-06-01. Review status: criteria provided, single submitter. Criteria: Invitae Variant Classification Sherloc (09022015). Collection method: clinical testing. Allele origin: germline.
Comment: This sequence change replaces isoleucine with valine at codon 444 of the JAK1 protein (p.Ile444Val). The isoleucine residue is highly conserved and there is a small physicochemical difference between isoleucine and valine. In summary, the available evidence is currently insufficient to determine the role of this variant in disease. Therefore, it has been classified as a Variant of Uncertain Significance. Algorithms developed to predict the effect of missense changes on protein structure and function are either unavailable or do not agree on the potential impact of this missense change (SIFT: "Not Available"; PolyPhen-2: "Probably Damaging"; Align-GVGD: "Not Available"). This variant has not been reported in the literature in individuals with JAK1-related conditions. This variant is not present in population databases (ExAC no frequency).